The following is an entry in ClinVar:

ClinVar aggregate classification (germline): Uncertain significance (1 of 4 stars; one submission).

Conditions:
Familial thoracic aortic aneurysm and aortic dissection (TAAD). Also called: Thoracic aortic aneurysms and dissections. Identifiers: Orphanet 91387, MedGen C4707243, MONDO:0019625.

Submission:

Ambry Genetics
Classification: Uncertain significance for Familial thoracic aortic aneurysm and aortic dissection. Last evaluated: 2025-10-25. Review status: criteria provided, single submitter. Criteria: Ambry Variant Classification Scheme 2023. Collection method: clinical testing. Allele origin: germline.
Comment: The p.P15S variant (also known as c.43C>T), located in coding exon 1 of the NOTCH1 gene, results from a C to T substitution at nucleotide position 43. The proline at codon 15 is replaced by serine, an amino acid with similar properties. This amino acid position is conserved. In addition, this alteration is predicted to be tolerated by in silico analysis. Based on the available evidence, the clinical significance of this variant remains unclear.

NM_017617.5(NOTCH1):c.43C>T (p.Pro15Ser)

Genes: NOTCH1 (notch receptor 1; minus strand), LOC130003020 (ATAC-STARR-seq lymphoblastoid silent region 20528; plus strand). Cytogenetic location: 9q34.3.
Variant type: single nucleotide variant.
Coding change: c.43C>T on transcript NM_017617.5 (MANE Select); coding-DNA position 43, C replaced by T.
Protein change: p.Pro15Ser; replaces proline 15 with serine.
Molecular consequence: missense variant.
Genome position (GRCh38, 1-based): chr9:136,545,744, G>A on the plus strand (C>T on the coding strand, the complement: NOTCH1 is on the minus strand). VCF-style: chr9-136545744-G-A. GRCh37 (hg19) VCF-style: chr9-139440196-G-A.
Other names: short protein forms P15S.
Identifiers: ClinVar variation 4635473 (VCV004635473.1).